The following is an entry in ClinVar:

NM_001042603.3(KDM5A):c.2208A>G (p.Ala736=)

Gene: KDM5A (lysine demethylase 5A; minus strand). Cytogenetic location: 12p13.33.
Variant type: single nucleotide variant.
Coding change: c.2208A>G on transcript NM_001042603.3 (MANE Select); coding-DNA position 2208, A replaced by G.
Protein change: p.Ala736=; no amino-acid change (alanine 736 retained).
Molecular consequence: synonymous variant.
Genome position (GRCh38, 1-based): chr12:323,149, T>C on the plus strand (A>G on the coding strand, the complement: KDM5A is on the minus strand). VCF-style: chr12-323149-T-C. GRCh37 (hg19) VCF-style: chr12-432315-T-C.
Identifiers: ClinVar variation 4872627 (VCV004872627.2).

ClinVar aggregate classification (germline): Likely benign (1 of 4 stars; one submission).

gnomAD v4.1: 23 of 1,555,642 alleles (0.0015%); highest among the groups gnomAD compares: Non-Finnish European, 0.0019%; no homozygotes.

Submission:

CeGaT Center for Human Genetics Tuebingen
Classification: Likely benign. Last evaluated: 2026-06-01. Review status: criteria provided, single submitter. Criteria: CeGaT Center For Human Genetics Tuebingen Variant Classification Criteria Version 2. Collection method: clinical testing. Allele origin: germline. Affected: yes. Observed: 1 variant allele.
Comment: KDM5A: BP4, BP7